The following is an entry in ClinVar:

NM_000368.5(TSC1):c.1446_1447del (p.Ile482_Ser483insTer)

Gene: TSC1 (TSC complex subunit 1; minus strand). Cytogenetic location: 9q34.13.
Variant type: Microsatellite.
Coding change: c.1446_1447del on transcript NM_000368.5 (MANE Select); coding-DNA positions 1446 to 1447, 2 bases deleted (AT; older notation c.1446_1447delAT).
Protein change: p.Ile482_Ser483insTer.
Molecular consequence: frameshift variant.
Genome position (GRCh38, 1-based): chr9:132,906,131-132,906,132, AT deleted on the plus strand (AT on the coding strand, the reverse complement: TSC1 is on the minus strand); deleting any 2 consecutive bases within chr9:132,906,131-132,906,134 gives the same sequence; the c. name uses the placement nearest the transcript's 3' end. VCF-style (leftmost placement, unchanged base first): chr9-132906130-GAT-G. GRCh37 (hg19) VCF-style: chr9-135781517-GAT-G.
Other names: c.1083_1084del, p.Ile361_Ser362insTer (NM_001362177.2); c.1293_1294del, p.Ile431_Ser432insTer (NM_001162427.2); c.1443_1444del, p.Ile481_Ser482insTer (NM_001162426.2); c.1446_1447delAT (NM_000368.4).
Identifiers: ClinVar variation 534409 (VCV000534409.6), dbSNP rs1554816076, ClinGen allele CA658797322.
Genomic context (GRCh38, chr9:132,906,130, plus strand): 5'-AAGCCTCCTCGAGGAACCACAGGCTCTGCCTCTGCTGTGGTGATCTCAGAAAGTTCTCTA[GAT>G]ATTGCAGCTGAGAGGAAGAGAGGAAACAAAAGAAATGGCAGTCGGTATTCCACCTGGGAA-3'

ClinVar aggregate classification (germline): Pathogenic (1 of 4 stars; one submission).

Conditions:
Tuberous sclerosis 1 (TSC1). Identifiers: Orphanet 805, MedGen C1854465, MONDO:0008612, OMIM 191100.

Submission:

Labcorp Genetics (formerly Invitae), Labcorp
Classification: Pathogenic for Tuberous sclerosis 1. Last evaluated: 2022-11-11. Review status: criteria provided, single submitter. Criteria: Invitae Variant Classification Sherloc (09022015). Collection method: clinical testing. Allele origin: germline.
Comment: For these reasons, this variant has been classified as Pathogenic. ClinVar contains an entry for this variant (Variation ID: 534409). This variant has not been reported in the literature in individuals affected with TSC1-related conditions. This variant is not present in population databases (gnomAD no frequency). This sequence change creates a premature translational stop signal (p.Ser483*) in the TSC1 gene. It is expected to result in an absent or disrupted protein product. Loss-of-function variants in TSC1 are known to be pathogenic (PMID: 10227394, 17304050).

Literature cited by the submitters: PubMed 10227394; PubMed 17304050.